The following is an entry in ClinVar:

ClinVar aggregate classification (germline): Pathogenic (1 of 4 stars; one submission).

Allele frequency attached by ClinVar (database versions not stated): gnomAD exomes below 0.00001.
gnomAD v4.1: 1 of 1,208,273 alleles (0.000083%); highest among the groups gnomAD compares: Non-Finnish European, 0.00011%; no homozygotes.

Submission:

Labcorp Genetics (formerly Invitae), Labcorp
Classification: Pathogenic. Last evaluated: 2018-05-06. Review status: criteria provided, single submitter. Criteria: Invitae Variant Classification Sherloc (09022015). Collection method: clinical testing. Allele origin: germline.
Comment: For these reasons, this variant has been classified as Pathogenic. Loss-of-function variants in CNKSR2 are known to be pathogenic (PMID: 22511892, 25223753). This variant has not been reported in the literature in individuals with CNKSR2-related disease. This variant is not present in population databases (ExAC no frequency). This sequence change creates a premature translational stop signal (p.Arg283*) in the CNKSR2 gene. It is expected to result in an absent or disrupted protein product.

Literature cited by the submitters: PubMed 22511892; PubMed 25223753.

NM_014927.5(CNKSR2):c.847C>T (p.Arg283Ter)

Gene: CNKSR2 (connector enhancer of kinase suppressor of Ras 2; plus strand). Cytogenetic location: Xp22.12.
Variant type: single nucleotide variant.
Coding change: c.847C>T on transcript NM_014927.5 (MANE Select); coding-DNA position 847, C replaced by T.
Protein change: p.Arg283Ter; replaces arginine 283 with a stop codon.
Molecular consequence: nonsense. On other transcripts: intron variant (4).
Genome position (GRCh38, 1-based): chrX:21,516,521, C>T. VCF-style: chrX-21516521-C-T. GRCh37 (hg19) VCF-style: chrX-21534639-C-T.
Other names: c.847C>T, p.Arg283Ter (NM_001168647.3, NM_001168648.3, NM_001330773.2); c.811-10346C>T (NM_001330770.2, NM_001330772.2, NM_001168649.3 and 1 more transcripts); short protein forms R283*.
Identifiers: ClinVar variation 1076481 (VCV001076481.7), dbSNP rs2147096420, ClinGen allele CA412550426.
Genomic context (GRCh38, chrX:21,516,521, plus strand): 5'-TGTAATGATTTTGCTGGTTACCAGGTGGGGTGGCAGTTGAAAAATTTGGTGAATGCACTA[C>T]GAGAGGACCCGAGTGGTGTTATCTTAACTTTGAAAAAGCGACCTCAGAGCATGCTTACCT-3'